The following is an entry in ClinVar:

ClinVar aggregate classification (germline): Uncertain significance (1 of 4 stars; one submission).

Conditions:
Cardiovascular phenotype. Identifiers: MedGen CN230736.

Submission:

Ambry Genetics
Classification: Uncertain significance for Cardiovascular phenotype. Last evaluated: 2023-10-27. Review status: criteria provided, single submitter. Criteria: Ambry Variant Classification Scheme 2023. Collection method: clinical testing. Allele origin: germline.
Comment: The p.P38R variant (also known as c.113C>G), located in coding exon 1 of the CHST14 gene, results from a C to G substitution at nucleotide position 113. The proline at codon 38 is replaced by arginine, an amino acid with dissimilar properties. This amino acid position is conserved. In addition, this alteration is predicted to be tolerated by in silico analysis. Since supporting evidence is limited at this time, the clinical significance of this alteration remains unclear.

NM_130468.4(CHST14):c.113C>G (p.Pro38Arg)

Genes: CHST14 (carbohydrate sulfotransferase 14; plus strand), LOC130056851 (ATAC-STARR-seq lymphoblastoid silent region 6336; plus strand). Cytogenetic location: 15q15.1.
Variant type: single nucleotide variant.
Coding change: c.113C>G on transcript NM_130468.4 (MANE Select); coding-DNA position 113, C replaced by G.
Protein change: p.Pro38Arg; replaces proline 38 with arginine.
Molecular consequence: missense variant.
Genome position (GRCh38, 1-based): chr15:40,471,326, C>G. VCF-style: chr15-40471326-C-G. GRCh37 (hg19) VCF-style: chr15-40763525-C-G.
Other names: short protein forms P38R.
Identifiers: ClinVar variation 3229030 (VCV003229030.1), dbSNP rs2543005340, ClinGen allele CA391763705.
Genomic context (GRCh38, chr15:40,471,326, plus strand): 5'-TGGGCCGGGCGCTGAGGCGGGCCCCTCTGGGCAGGGCCCGGGCGGGGCTGGGTGGGCCGC[C>G]CCTGCTGCTGCCGTCCATGCTGATGTTTGCGGTGATCGTGGCCTCCAGCGGGCTGCTGCT-3'
Protein context (NP_569735.1, residues 28-48): GRARAGLGGP[Pro38Arg]LLLPSMLMFA